The following is an entry in ClinVar:

ClinVar aggregate classification (germline): Uncertain significance (1 of 4 stars; one submission).

Conditions:
Inborn genetic diseases. Identifiers: MedGen C0950123, MeSH D030342.

Submission:

Ambry Genetics
Classification: Uncertain significance for Inborn genetic diseases. Last evaluated: 2025-05-17. Review status: criteria provided, single submitter. Criteria: Ambry Variant Classification Scheme 2023. Collection method: clinical testing. Allele origin: germline.
Comment: The p.S462R variant (also known as c.1386T>A), located in coding exon 1 of the SAMD9L gene, results from a T to A substitution at nucleotide position 1386. The serine at codon 462 is replaced by arginine, an amino acid with dissimilar properties. This amino acid position is conserved. In addition, this alteration is predicted to be tolerated by in silico analysis. Based on the available evidence, the clinical significance of this variant remains unclear.

NM_152703.5(SAMD9L):c.1386T>A (p.Ser462Arg)

Gene: SAMD9L (sterile alpha motif domain containing 9 like; minus strand). Cytogenetic location: 7q21.2.
Variant type: single nucleotide variant.
Coding change: c.1386T>A on transcript NM_152703.5 (MANE Select); coding-DNA position 1386, T replaced by A.
Protein change: p.Ser462Arg; replaces serine 462 with arginine.
Molecular consequence: missense variant.
Genome position (GRCh38, 1-based): chr7:93,134,586, A>T on the plus strand (T>A on the coding strand, the complement: SAMD9L is on the minus strand). VCF-style: chr7-93134586-A-T. GRCh37 (hg19) VCF-style: chr7-92763899-A-T.
Other names: c.1386T>A, p.Ser462Arg (NM_001303496.3, NM_001303497.3, NM_001303498.3 and 5 more transcripts); short protein forms S462R.
Identifiers: ClinVar variation 3949929 (VCV003949929.1).